The following is an entry in ClinVar:

NM_017780.4(CHD7):c.5853_5855del (p.Glu1952del)

Gene: CHD7 (chromodomain helicase DNA binding protein 7; plus strand). Cytogenetic location: 8q12.2.
Variant type: Deletion.
Coding change: c.5853_5855del on transcript NM_017780.4 (MANE Select); coding-DNA positions 5853 to 5855, 3 bases deleted (GGA; older notation c.5853_5855delGGA).
Protein change: p.Glu1952del; deletes glutamic acid 1952.
Molecular consequence: inframe deletion. On other transcripts: intron variant (1).
Genome position (GRCh38, 1-based): chr8:60,852,206-60,852,208, GGA deleted. VCF-style (leftmost placement, unchanged base first): chr8-60852205-TGGA-T. GRCh37 (hg19) VCF-style: chr8-61764764-TGGA-T.
Other names: c.1717-10023_1717-10021del (NM_001316690.1); short protein forms E1952del.
Identifiers: ClinVar variation 2165900 (VCV002165900.4), dbSNP rs773787129, ClinGen allele CA4760473.

ClinVar aggregate classification (germline): Uncertain significance (1 of 4 stars; one submission).

Conditions:
CHARGE syndrome (CHARGE). Also called: Hittner Hirsch Kreh syndrome; CHARGE ASSOCIATION--COLOBOMA, HEART ANOMALY, CHOANAL ATRESIA, RETARDATION, GENITAL AND EAR ANOMALIES; Coloboma, heart anomaly, choanal atresia, retardation, genital and ear anomalies; CHARGE association; Hall-Hittner syndrome. Identifiers: Orphanet 138, MedGen C0265354, MONDO:0008965.

Allele frequency attached by ClinVar (database versions not stated): gnomAD exomes below 0.00001; ExAC 0.00001.

Submission:

Labcorp Genetics (formerly Invitae), Labcorp
Classification: Uncertain significance for CHARGE syndrome. Last evaluated: 2023-11-28. Review status: criteria provided, single submitter. Criteria: Invitae Variant Classification Sherloc (09022015). Collection method: clinical testing. Allele origin: germline.
Comment: This variant, c.5853_5855del, results in the deletion of 1 amino acid(s) of the CHD7 protein (p.Glu1952del), but otherwise preserves the integrity of the reading frame. This variant is present in population databases (rs773787129, gnomAD 0.0009%). This variant has not been reported in the literature in individuals affected with CHD7-related conditions. ClinVar contains an entry for this variant (Variation ID: 2165900). Experimental studies and prediction algorithms are not available or were not evaluated, and the functional significance of this variant is currently unknown. In summary, the available evidence is currently insufficient to determine the role of this variant in disease. Therefore, it has been classified as a Variant of Uncertain Significance.